The following is an entry in ClinVar:

ClinVar aggregate classification (germline): Conflicting classifications of pathogenicity. Review status: criteria provided, conflicting classifications (1 of 4 stars). 5 submissions from 4 submitters: Pathogenic (1); Uncertain significance (3). 1 of the submissions does not count toward it. Last evaluated 2024-02-04.

Conditions:
Transitory neonatal diabetes mellitus. Also called: Transient neonatal diabetes mellitus. Identifiers: MedGen C0342273, MONDO:0020525, HP:0008255.
Maturity-onset diabetes of the young (MODY). Also called: Maturity onset diabetes mellitus in young. Identifiers: Orphanet 552, MedGen C0342276, MONDO:0018911, HP:0004904.
Hyperinsulinemic hypoglycemia, familial, 1 (HHF1). Also called: Persistent hyperinsulinemic hypoglycemia of infancy; HYPERINSULINISM, FAMILIAL, WITH PANCREATIC NESIDIOBLASTOSIS; HYPOGLYCEMIA, HYPERINSULINEMIC, OF INFANCY; NESIDIOBLASTOSIS OF PANCREAS; Persistent Hyperinsulinemia Hypoglycemia of Infancy. Identifiers: Orphanet 276575, Orphanet 276598, MedGen C2931832, MONDO:0009734, OMIM 256450.

Allele frequency attached by ClinVar (database versions not stated): TOPMed below 0.00001.

Submissions (5):

Labcorp Genetics (formerly Invitae), Labcorp
Classification: Pathogenic. Last evaluated: 2024-02-04. Review status: criteria provided, single submitter. Criteria: Invitae Variant Classification Sherloc (09022015). Collection method: clinical testing. Allele origin: germline.
Comment: This sequence change falls in intron 32 of the ABCC8 gene. It does not directly change the encoded amino acid sequence of the ABCC8 protein. It affects a nucleotide within the consensus splice site. This variant is not present in population databases (gnomAD no frequency). This variant has been observed in individual(s) with autosomal recessive diffuse or paternally inherited focal hyperinsulinism (PMID: 33410562). In at least one individual the data is consistent with being in trans (on the opposite chromosome) from a pathogenic variant. This variant is also known as 3992-3C→G. ClinVar contains an entry for this variant (Variation ID: 553140). Variants that disrupt the consensus splice site are a relatively common cause of aberrant splicing (PMID: 17576681, 9536098). Studies have shown that this variant alters mRNA splicing and is expected to lead to the loss of protein expression (PMID: 33410562). For these reasons, this variant has been classified as Pathogenic.

GeneDx
Classification: Uncertain significance. Last evaluated: 2023-09-13. Review status: criteria provided, single submitter. Criteria: GeneDx Variant Classification Process June 2021. Collection method: clinical testing. Allele origin: germline. Affected: yes.
Comment: Not observed at significant frequency in large population cohorts (gnomAD); In silico analysis supports a deleterious effect on splicing; Functional studies were performed for this variant in the presence of two polymorphisms on the same allele (in cis); therefore, the effect of this variant alone could not be fully assessed (Saint-Martin et al., 2021); Also known as c.3992-3C>G; This variant is associated with the following publications: (PMID: 25525159, 9618169, 21851374, 20685672, 32027066, 9648840, 18767144, 33410562, 11697420)

Clinical Genomics, Uppaluri K&H Personalized Medicine Clinic
Classification: Uncertain significance for Transitory neonatal diabetes mellitus. Review status: criteria provided, single submitter. Criteria: K & H Uppaluri Personalized Medicine Clinic Variant Classification & Assertion Criteria_Updated V.1. Collection method: research. Allele origin: somatic. Inheritance: Somatic mutation.
Comment: Mutations in ABCC8 gene are associated with both neonatal diabetes mellitus as well as MODY. Patients with this mutation may have a better response to sulfonylureas. However, no sufficient evidence is found to ascertain the role of this particular variant (rs1324242791) in neonatal diabetes yet.

Clinical Genomics, Uppaluri K&H Personalized Medicine Clinic
Classification: Uncertain significance for Maturity-onset diabetes of the young. Review status: criteria provided, single submitter. Criteria: K & H Uppaluri Personalized Medicine Clinic Variant Classification & Assertion Criteria_Updated V.1. Collection method: research. Allele origin: somatic. Inheritance: Somatic mutation.
Comment: Mutations in ABCC8 gene are associated with both neonatal diabetes mellitus as well as MODY. Patients with this mutation may have a better response to sulfonylureas. However, no sufficient evidence is found to ascertain the role of this particular variant (rs1324242791) in MODY yet.

Counsyl
Classification: Uncertain significance for Hyperinsulinemic hypoglycemia, familial, 1. Last evaluated: 2017-08-02. Review status: no assertion criteria provided. Collection method: clinical testing. Allele origin: unknown. Not counted in ClinVar's aggregate classification.

Literature cited by the submitters: PubMed 33410562 (cited by Labcorp Genetics (formerly Invitae), Labcorp); PubMed 17576681 (cited by Labcorp Genetics (formerly Invitae), Labcorp); PubMed 9536098 (cited by Labcorp Genetics (formerly Invitae), Labcorp); PubMed 16885549 (cited by Clinical Genomics, Uppaluri K&H Personalized Medicine Clinic); PubMed 21989597 (cited by Clinical Genomics, Uppaluri K&H Personalized Medicine Clinic); PubMed 27538677 (cited by Clinical Genomics, Uppaluri K&H Personalized Medicine Clinic); PubMed 18981553 (cited by Clinical Genomics, Uppaluri K&H Personalized Medicine Clinic); PubMed 32027066 (cited by Clinical Genomics, Uppaluri K&H Personalized Medicine Clinic); PubMed 16613899 (cited by Clinical Genomics, Uppaluri K&H Personalized Medicine Clinic); PubMed 18025408 (cited by Clinical Genomics, Uppaluri K&H Personalized Medicine Clinic); PubMed 32792356 (cited by Clinical Genomics, Uppaluri K&H Personalized Medicine Clinic); PubMed 20685672 (cited by Counsyl); PubMed 9618169 (cited by Counsyl).

NM_000352.6(ABCC8):c.3989-3C>G

Gene: ABCC8 (ATP binding cassette subfamily C member 8; minus strand). Cytogenetic location: 11p15.1.
Variant type: single nucleotide variant.
Coding change: c.3989-3C>G on transcript NM_000352.6 (MANE Select); 3 bases into the intron before coding-DNA position 3989, C replaced by G.
Molecular consequence: intron variant. On other transcripts: non-coding transcript variant (1).
Genome position (GRCh38, 1-based): chr11:17,397,049, G>C on the plus strand (C>G on the coding strand, the complement: ABCC8 is on the minus strand). VCF-style: chr11-17397049-G-C. GRCh37 (hg19) VCF-style: chr11-17418596-G-C.
Other names: c.3986-3C>G (NM_001351297.2); c.3989-3C>G (NM_001351296.2); c.4055-3C>G (NM_001351295.2); c.3992-3C>G (NM_001287174.3).
Identifiers: ClinVar variation 553140 (VCV000553140.10), dbSNP rs1324242791, ClinGen allele CA658822171.